The following is an entry in ClinVar:

NM_017654.4(SAMD9):c.4760A>T (p.Glu1587Val)

Gene: SAMD9 (sterile alpha motif domain containing 9; minus strand). Cytogenetic location: 7q21.2.
Variant type: single nucleotide variant.
Coding change: c.4760A>T on transcript NM_017654.4 (MANE Select); coding-DNA position 4760, A replaced by T.
Protein change: p.Glu1587Val; replaces glutamic acid 1587 with valine.
Molecular consequence: missense variant.
Genome position (GRCh38, 1-based): chr7:93,101,338, T>A on the plus strand (A>T on the coding strand, the complement: SAMD9 is on the minus strand). VCF-style: chr7-93101338-T-A. GRCh37 (hg19) VCF-style: chr7-92730651-T-A.
Other names: c.4760A>T (NM_017654.3); c.4760A>T, p.Glu1587Val (NM_001193307.2); short protein forms E1587V.
Identifiers: ClinVar variation 1369611 (VCV001369611.12), dbSNP rs144109966, ClinGen allele CA4342495.
Genomic context (GRCh38, chr7:93,101,338, plus strand): 5'-AAATTAAATGGGTACTGAGATCAAATTCTTGGAGGAAGAATATCAGGCTCTTAAACAATT[T>A]CAATGTCATAAGCAAGTGGGCCTCCAATGGAAAATCCCAGGTAAAAAGACACCTTCTCTA-3'
Protein context (NP_060124.2, residues 1577-1589): SIGGPLAYDI[Glu1587Val]IV

ClinVar aggregate classification (germline): Uncertain significance. Review status: criteria provided, multiple submitters, no conflicts (2 of 4 stars). 4 submissions from 4 submitters: Uncertain significance (4). Last evaluated 2025-03-06.

Conditions:
Inborn genetic diseases. Identifiers: MedGen C0950123, MeSH D030342.

Allele frequency attached by ClinVar (database versions not stated): gnomAD exomes 0.00001 and 0.00004; ExAC 0.00007; gnomAD 0.00008 and 0.00009; TOPMed 0.00011; ESP Exome Variant Server 0.00015; 1000 Genomes Project 30x 0.00016; 1000 Genomes Project 0.00020.
gnomAD v4.1: 30 of 1,611,592 alleles (0.0019%); highest among the groups gnomAD compares: African/African-American, 0.035%; no homozygotes.

Submissions (4):

Ambry Genetics
Classification: Uncertain significance for Inborn genetic diseases. Last evaluated: 2025-03-06. Review status: criteria provided, single submitter. Criteria: Ambry Variant Classification Scheme 2023. Collection method: clinical testing. Allele origin: germline.

Labcorp Genetics (formerly Invitae), Labcorp
Classification: Uncertain significance. Last evaluated: 2024-12-02. Review status: criteria provided, single submitter. Criteria: Invitae Variant Classification Sherloc (09022015). Collection method: clinical testing. Allele origin: germline.
Comment: This sequence change replaces glutamic acid, which is acidic and polar, with valine, which is neutral and non-polar, at codon 1587 of the SAMD9 protein (p.Glu1587Val). This variant is present in population databases (rs144109966, gnomAD 0.05%). This variant has not been reported in the literature in individuals affected with SAMD9-related conditions. ClinVar contains an entry for this variant (Variation ID: 1369611). Invitae Evidence Modeling of protein sequence and biophysical properties (such as structural, functional, and spatial information, amino acid conservation, physicochemical variation, residue mobility, and thermodynamic stability) indicates that this missense variant is not expected to disrupt SAMD9 protein function with a negative predictive value of 95%. In summary, the available evidence is currently insufficient to determine the role of this variant in disease. Therefore, it has been classified as a Variant of Uncertain Significance.

GeneDx
Classification: Uncertain significance. Last evaluated: 2024-11-04. Review status: criteria provided, single submitter. Criteria: GeneDx Variant Classification Process June 2021. Collection method: clinical testing. Allele origin: germline. Affected: yes.
Comment: In silico analysis indicates that this missense variant does not alter protein structure/function; Has not been previously published as pathogenic or benign to our knowledge

Blueprint Genetics
Classification: Uncertain significance. Last evaluated: 2024-10-23. Review status: criteria provided, single submitter. Criteria: ACMG Guidelines, 2015. Collection method: clinical testing. Allele origin: germline.